The following is an entry in ClinVar:

ClinVar aggregate classification (germline): Conflicting classifications of pathogenicity. Review status: criteria provided, conflicting classifications (1 of 4 stars). 6 submissions from 6 submitters: Uncertain significance (2); Likely benign (3). 1 of the submissions does not count toward it. Last evaluated 2026-08-18.

Conditions:
Zellweger spectrum disorders (ZS). Also called: Zellweger Spectrum Disorder (ZSD); Zellweger syndrome; Zellweger Spectrum Disorder; Zellweger Spectrum. Identifiers: Orphanet 912, MedGen C0043459, MONDO:0019609.
PEX6-related disorder. Also called: PEX6-related condition; PEX6-related disorders.
Peroxisome biogenesis disorder 4A (Zellweger) (PBD4A). Also called: Zellweger syndrome spectrum (PEX6-related). Identifiers: Orphanet 912, MedGen C3553936, MONDO:0013930, OMIM 614862. Disease mechanism: loss of function.
Peroxisome biogenesis disorder. Identifiers: Orphanet 79189, MedGen C1832200, MONDO:0019234. Disease mechanism: loss of function.

Allele frequency attached by ClinVar (database versions not stated): gnomAD 0.00004 and 0.00003; gnomAD exomes 0.00004 and 0.00010; TOPMed 0.00007; ExAC 0.00012; 1000 Genomes Project 30x 0.00016.
gnomAD v4.1: 55 of 1,614,054 alleles (0.0034%); highest among the groups gnomAD compares: East Asian, 0.036%; 1 homozygote.

Submissions (6):

PreventionGenetics, part of Exact Sciences
Classification: Likely benign for PEX6-related condition. Last evaluated: 2026-08-18. Review status: criteria provided, single submitter. Criteria: ACMG Guidelines, 2015. Collection method: clinical testing. Allele origin: germline.
Comment: This variant is classified as likely benign based on ACMG/AMP sequence variant interpretation guidelines (Richards et al. 2015 PMID: 25741868, with internal and published modifications).

Labcorp Genetics (formerly Invitae), Labcorp
Classification: Likely benign for Peroxisome biogenesis disorder. Last evaluated: 2026-01-22. Review status: criteria provided, single submitter. Criteria: Invitae Variant Classification Sherloc (09022015). Collection method: clinical testing. Allele origin: germline.

Blueprint Genetics
Classification: Likely benign. Last evaluated: 2024-10-31. Review status: criteria provided, single submitter. Criteria: ACMG Guidelines, 2015. Collection method: clinical testing. Allele origin: germline.

Illumina Laboratory Services, Illumina
Classification: Uncertain significance for Peroxisome biogenesis disorder 4A (Zellweger). Last evaluated: 2018-01-13. Review status: criteria provided, single submitter. Criteria: ICSL Variant Classification Criteria 13 December 2019. Collection method: clinical testing. Allele origin: germline.

Eurofins Ntd Llc (ga)
Classification: Uncertain significance. Last evaluated: 2017-08-23. Review status: criteria provided, single submitter. Criteria: EGL Classification Definitions 2015. Collection method: clinical testing. Allele origin: germline. Observed: 1 variant allele, 1 heterozygote.

Natera, Inc.
Classification: Uncertain significance for Zellweger syndrome. Last evaluated: 2020-01-10. Review status: no assertion criteria provided. Collection method: clinical testing. Allele origin: germline. Not counted in ClinVar's aggregate classification.

NM_000287.4(PEX6):c.2736G>A (p.Ala912=)

Gene: PEX6 (peroxisomal biogenesis factor 6; minus strand). Cytogenetic location: 6p21.1.
Variant type: single nucleotide variant.
Coding change: c.2736G>A on transcript NM_000287.4 (MANE Select); coding-DNA position 2736, G replaced by A.
Protein change: p.Ala912=; no amino-acid change (alanine 912 retained).
Molecular consequence: synonymous variant. On other transcripts: non-coding transcript variant (1).
Genome position (GRCh38, 1-based): chr6:42,964,860, C>T on the plus strand (G>A on the coding strand, the complement: PEX6 is on the minus strand). VCF-style: chr6-42964860-C-T. GRCh37 (hg19) VCF-style: chr6-42932598-C-T.
Other names: c.2472G>A, p.Ala824= (NM_001316313.2).
Identifiers: ClinVar variation 356794 (VCV000356794.22), dbSNP rs202049230, ClinGen allele CA3810919.
Genomic context (GRCh38, chr6:42,964,860, plus strand): 5'-GTCATGAACCCTGCGTTTGAGGGCAGCTGTCATAGCATCAGAGCAGAGAGAGTAGAGGTC[C>T]GCGCCCGTCAGCTGGGGAGGGCAGCAATCTAGCACGTTTACCAGGCTCACAGATGGCTCT-3'
Protein context (NP_000278.3, residues 902-922): LDCCPPQLTG[Ala912=]DLYSLCSDAM